The following is an entry in ClinVar:

NM_014727.3(KMT2B):c.4433A>C (p.His1478Pro)

Gene: KMT2B (lysine methyltransferase 2B; plus strand). Cytogenetic location: 19q13.12.
Variant type: single nucleotide variant.
Coding change: c.4433A>C on transcript NM_014727.3 (MANE Select); coding-DNA position 4433, A replaced by C.
Protein change: p.His1478Pro; replaces histidine 1478 with proline.
Molecular consequence: missense variant.
Genome position (GRCh38, 1-based): chr19:35,727,921, A>C. VCF-style: chr19-35727921-A-C. GRCh37 (hg19) VCF-style: chr19-36218822-A-C.
Other names: short protein forms H1478P.
Identifiers: ClinVar variation 4529837 (VCV004529837.1).
Genomic context (GRCh38, chr19:35,727,921, plus strand): 5'-TCTGACAAACCCCCTTACAGCACAGCTTCATGGAGGACATGGTGGGCATCCTCATGCGGC[A>C]CTCGGAGGAGGGAGAGACCCCGGACCGCCGGGCTGGAGGCCAGATGAAGGGGCTCCTGCT-3'
Protein context (NP_055542.1, residues 1468-1488): MEDMVGILMR[His1478Pro]SEEGETPDRR

ClinVar aggregate classification (germline): Uncertain significance (1 of 4 stars; one submission).

Submission:

GeneDx
Classification: Uncertain significance. Last evaluated: 2025-05-14. Review status: criteria provided, single submitter. Criteria: GeneDx Variant Classification Process June 2021. Collection method: clinical testing. Allele origin: germline. Affected: yes.
Comment: Not observed at significant frequency in large population cohorts (gnomAD); In silico analysis supports that this missense variant has a deleterious effect on protein structure/function; Has not been previously published as pathogenic or benign to our knowledge